The following is an entry in ClinVar:

NM_000297.4(PKD2):c.682C>T (p.Leu228Phe)

Gene: PKD2 (polycystin 2, transient receptor potential cation channel; plus strand). Cytogenetic location: 4q22.1.
Variant type: single nucleotide variant.
Coding change: c.682C>T on transcript NM_000297.4 (MANE Select); coding-DNA position 682, C replaced by T.
Protein change: p.Leu228Phe; replaces leucine 228 with phenylalanine.
Molecular consequence: missense variant. On other transcripts: non-coding transcript variant (1).
Genome position (GRCh38, 1-based): chr4:88,019,544, C>T. VCF-style: chr4-88019544-C-T. GRCh37 (hg19) VCF-style: chr4-88940696-C-T.
Other names: c.682C>T, p.Leu228Phe (NM_001440544.1); short protein forms L228F.
Identifiers: ClinVar variation 4764586 (VCV004764586.1).

ClinVar aggregate classification (germline): Uncertain significance (1 of 4 stars; one submission).

Conditions:
Autosomal dominant polycystic kidney disease. Identifiers: Orphanet 730, MedGen C0085413, MONDO:0004691.

Submission:

Labcorp Genetics (formerly Invitae), Labcorp
Classification: Uncertain significance for Autosomal dominant polycystic kidney disease. Last evaluated: 2025-11-03. Review status: criteria provided, single submitter. Criteria: Invitae Variant Classification Sherloc (09022015). Collection method: clinical testing. Allele origin: germline.
Comment: This sequence change replaces leucine, which is neutral and non-polar, with phenylalanine, which is neutral and non-polar, at codon 228 of the PKD2 protein (p.Leu228Phe). This variant is not present in population databases (gnomAD no frequency). This variant has not been reported in the literature in individuals affected with PKD2-related conditions. Invitae Evidence Modeling of protein sequence and biophysical properties (such as structural, functional, and spatial information, amino acid conservation, physicochemical variation, residue mobility, and thermodynamic stability) indicates that this missense variant is not expected to disrupt PKD2 protein function with a negative predictive value of 80%. In summary, the available evidence is currently insufficient to determine the role of this variant in disease. Therefore, it has been classified as a Variant of Uncertain Significance.